The following is an entry in ClinVar:

ClinVar aggregate classification (germline): Uncertain significance (1 of 4 stars; one submission).

Conditions:
Hereditary cancer-predisposing syndrome. Also called: Neoplastic Syndromes, Hereditary; Hereditary Cancer Syndrome; Hereditary neoplastic syndrome; Tumor predisposition. Identifiers: Orphanet 140162, MedGen C0027672, MeSH D009386, MONDO:0015356.

Allele frequency attached by ClinVar (database versions not stated): gnomAD exomes below 0.00001.

Submission:

Ambry Genetics
Classification: Uncertain significance for Hereditary cancer-predisposing syndrome. Last evaluated: 2025-04-17. Review status: criteria provided, single submitter. Criteria: Ambry Variant Classification Scheme 2023. Collection method: clinical testing. Allele origin: germline.
Comment: The c.1904-2A>G intronic variant results from an A to G substitution two nucleotides upstream from coding exon 10 in the BARD1 gene. Alterations that disrupt the canonical splice site are expected to result in aberrant splicing. In silico splice site analysis predicts that this alteration will weaken the native splice acceptor site and may result in the creation or strengthening of a novel splice acceptor site. The resulting transcript is predicted to be in-frame and is not expected to trigger nonsense-mediated mRNAdecay; however, direct evidence is unavailable. The exact functional effect of the altered amino acid sequence is unknown. This nucleotide position is highly conserved in available vertebrate species. Since supporting evidence is limited at this time, the clinical significance of this alteration remains unclear.

NM_000465.4(BARD1):c.1904-2A>G

Gene: BARD1 (BRCA1 associated RING domain 1; minus strand). Cytogenetic location: 2q35.
Variant type: single nucleotide variant.
Coding change: c.1904-2A>G on transcript NM_000465.4 (MANE Select); the canonical splice acceptor site of the intron before coding-DNA position 1904, A replaced by G.
Molecular consequence: splice acceptor variant.
Genome position (GRCh38, 1-based): chr2:214,730,510, T>C on the plus strand (A>G on the coding strand, the complement: BARD1 is on the minus strand). VCF-style: chr2-214730510-T-C. GRCh37 (hg19) VCF-style: chr2-215595234-T-C.
Other names: c.494-2A>G (NM_001282548.2); c.1847-2A>G (NM_001282543.2); c.551-2A>G (NM_001282545.2); c.365-2A>G (NM_001282549.2).
Identifiers: ClinVar variation 2565197 (VCV002565197.3), dbSNP rs864622239, ClinGen allele CA350451360.